The following is an entry in ClinVar:

NM_000019.4(ACAT1):c.299G>A (p.Gly100Glu)

Gene: ACAT1 (acetyl-CoA acetyltransferase 1; plus strand). Cytogenetic location: 11q22.3.
Variant type: single nucleotide variant.
Coding change: c.299G>A on transcript NM_000019.4 (MANE Select); coding-DNA position 299, G replaced by A.
Protein change: p.Gly100Glu; replaces glycine 100 with glutamic acid.
Molecular consequence: missense variant.
Genome position (GRCh38, 1-based): chr11:108,134,281, G>A. VCF-style: chr11-108134281-G-A. GRCh37 (hg19) VCF-style: chr11-108005008-G-A.
Other names: short protein forms G100E.
Identifiers: ClinVar variation 666472 (VCV000666472.5), dbSNP rs1591362472, ClinGen allele CA382506594.
Genomic context (GRCh38, chr11:108,134,281, plus strand): 5'-GGATTCCAAAAGAAGAAGTGAAAGAAGCATACATGGGTAATGTTCTACAAGGAGGTGAAG[G>A]ACAAGCTCCTACAAGGCAGGCAGTATTGGGTGCAGGTACCTGGAAGACTTTTTTGCTTTT-3'
Protein context (NP_000010.1, residues 90-110): YMGNVLQGGE[Gly100Glu]QAPTRQAVLG

ClinVar aggregate classification (germline): Conflicting classifications of pathogenicity. Review status: criteria provided, conflicting classifications (1 of 4 stars). 4 submissions from 4 submitters: Likely pathogenic (1); Uncertain significance (3). Last evaluated 2026-03-03.

Conditions:
Deficiency of acetyl-CoA acetyltransferase. Also called: Beta-ketothiolase deficiency; 3-KETOTHIOLASE DEFICIENCY; 3-OXOTHIOLASE DEFICIENCY; MITOCHONDRIAL ACETOACETYL-CoA THIOLASE DEFICIENCY. Identifiers: Orphanet 134, MedGen C1536500, MONDO:0008760, OMIM 203750. Disease mechanism: loss of function.

Allele frequency attached by ClinVar (database versions not stated): TOPMed 0.00001.

Submissions (4):

Myriad Genetics, Inc.
Classification: Uncertain significance for Deficiency of acetyl-CoA acetyltransferase. Last evaluated: 2026-03-03. Review status: criteria provided, single submitter. Criteria: Myriad Autosomal Dominant, Autosomal Recessive and X-Linked Classification Criteria (2023). Collection method: clinical testing. Allele origin: unknown.
Comment: NM_000019.3(ACAT1):c.299G>A(G100E) is a missense variant classified as a variant of uncertain significance in the context of beta-ketothiolase deficiency. G100E has been observed in a case with relevant disease (PMID: 28726122). Relevant functional assessments of this variant are not available in the literature. G100E has not been observed in referenced population frequency databases. In summary, there is insufficient evidence to classify NM_000019.3(ACAT1):c.299G>A(G100E) as pathogenic or benign. Please note: this variant was assessed in the context of healthy population screening.

Fulgent Genetics
Classification: Likely pathogenic for Deficiency of acetyl-CoA acetyltransferase. Last evaluated: 2024-03-30. Review status: criteria provided, single submitter. Criteria: ACMG Guidelines, 2015. Collection method: clinical testing. Allele origin: germline.

Women's Health and Genetics/Laboratory Corporation of America, LabCorp
Classification: Uncertain significance. Last evaluated: 2024-03-27. Review status: criteria provided, single submitter. Criteria: LabCorp Variant Classification Summary - May 2015. Collection method: clinical testing. Allele origin: germline.
Comment: Variant summary: ACAT1 c.299G>A (p.Gly100Glu) results in a non-conservative amino acid change located in the Thiolase, N-terminal (IPR020616) of the encoded protein sequence. Five of five in-silico tools predict a damaging effect of the variant on protein function. The variant was absent in 251464 control chromosomes. The available data on variant occurrences in the general population are insufficient to allow any conclusion about variant significance. c.299G>A has been reported in the literature in individuals affected with Acetoacetyl-CoA thiolase deficiency (Wojcik_2017). These data do not allow any conclusion about variant significance. To our knowledge, no experimental evidence demonstrating an impact on protein function has been reported. The following publication have been ascertained in the context of this evaluation (PMID: 28726122). ClinVar contains an entry for this variant (Variation ID: 666472). Based on the evidence outlined above, the variant was classified as uncertain significance.

Department of Pediatrics, Gifu University
Classification: Uncertain significance for Deficiency of acetyl-CoA acetyltransferase. Last evaluated: 2019-05-05. Review status: criteria provided, single submitter. Criteria: ACMG Guidelines, 2015. Collection method: literature only. Allele origin: germline. Affected: yes. Observed: 1 variant allele.

Literature cited by the submitters: PubMed 28726122 (cited by Myriad Genetics, Inc. and Women's Health and Genetics/Laboratory Corporation of America, LabCorp); PubMed 31268215 (cited by Department of Pediatrics, Gifu University).